The following is an entry in ClinVar:

ClinVar aggregate classification (germline): Uncertain significance. Review status: criteria provided, multiple submitters, no conflicts (2 of 4 stars). 3 submissions from 3 submitters: Uncertain significance (3). Last evaluated 2025-04-24.

Conditions:
Inborn genetic diseases. Identifiers: MedGen C0950123, MeSH D030342.
Myoglobinuria, acute recurrent, autosomal recessive. Also called: RHABDOMYOLYSIS, ACUTE RECURRENT; MYOGLOBINURIA, FAMILIAL PAROXYSMAL PARALYTIC; Myoglobinuria, recurrent, autosomal recessive. Identifiers: Orphanet 99845, MedGen C1849386, MONDO:0009992, OMIM 268200.

Allele frequency attached by ClinVar (database versions not stated): gnomAD exomes 0.00001; ExAC 0.00002; gnomAD 0.00006; TOPMed 0.00006.
gnomAD v4.1: 17 of 1,613,670 alleles (0.0011%); highest among the groups gnomAD compares: African/African-American, 0.023%; no homozygotes.

Submissions (3):

Ambry Genetics
Classification: Uncertain significance for Inborn genetic diseases. Last evaluated: 2025-04-24. Review status: criteria provided, single submitter. Criteria: Ambry Variant Classification Scheme 2023. Collection method: clinical testing. Allele origin: germline.

Fulgent Genetics
Classification: Uncertain significance for Myoglobinuria, acute recurrent, autosomal recessive. Last evaluated: 2024-03-07. Review status: criteria provided, single submitter. Criteria: ACMG Guidelines, 2015. Collection method: clinical testing. Allele origin: germline.

Labcorp Genetics (formerly Invitae), Labcorp
Classification: Uncertain significance. Last evaluated: 2022-03-14. Review status: criteria provided, single submitter. Criteria: Invitae Variant Classification Sherloc (09022015). Collection method: clinical testing. Allele origin: germline.
Comment: This sequence change replaces phenylalanine, which is neutral and non-polar, with tyrosine, which is neutral and polar, at codon 819 of the LPIN1 protein (p.Phe819Tyr). This variant is present in population databases (rs766055726, gnomAD 0.03%). This variant has not been reported in the literature in individuals affected with LPIN1-related conditions. Algorithms developed to predict the effect of missense changes on protein structure and function are either unavailable or do not agree on the potential impact of this missense change (SIFT: "Deleterious"; PolyPhen-2: "Probably Damaging"; Align-GVGD: "Class C0"). In summary, the available evidence is currently insufficient to determine the role of this variant in disease. Therefore, it has been classified as a Variant of Uncertain Significance.

NM_001349206.2(LPIN1):c.2564T>A (p.Phe855Tyr)

Gene: LPIN1 (lipin 1; plus strand). Cytogenetic location: 2p25.1.
Variant type: single nucleotide variant.
Coding change: c.2564T>A on transcript NM_001349206.2 (MANE Select); coding-DNA position 2564, T replaced by A.
Protein change: p.Phe855Tyr; replaces phenylalanine 855 with tyrosine.
Molecular consequence: missense variant. On other transcripts: non-coding transcript variant (1).
Genome position (GRCh38, 1-based): chr2:11,820,457, T>A. VCF-style: chr2-11820457-T-A. GRCh37 (hg19) VCF-style: chr2-11960583-T-A.
Other names: c.2474T>A, p.Phe825Tyr (NM_001261427.3); c.2711T>A, p.Phe904Tyr (NM_001261428.3); c.2456T>A, p.Phe819Tyr (NM_001349199.2, NM_145693.4); c.2534T>A, p.Phe845Tyr (NM_001349200.2, NM_001349201.2); c.2561T>A, p.Phe854Tyr (NM_001349202.2, NM_001349203.2); c.2564T>A, p.Phe855Tyr (NM_001349204.2, NM_001349205.2); c.2654T>A, p.Phe885Tyr (NM_001349207.2); c.2603T>A, p.Phe868Tyr (NM_001349208.2); and 1 more; short protein forms F845Y, F868Y, F885Y, F904Y, F854Y, F819Y, F825Y, F855Y.
Identifiers: ClinVar variation 2155027 (VCV002155027.4), dbSNP rs766055726, ClinGen allele CA1534131.
Genomic context (GRCh38, chr2:11,820,457, plus strand): 5'-TTTACCAAATATAGGATGTGTATTCATACAAGCAAGTAGGAGTGTCTTTGAATAGAATAT[T>A]TACCGTCAACCCTAAAGGAGAGCTGGTACAGGAACATGCAAAGACCAACATCTCTTCGTG-3'
Protein context (NP_001336135.1, residues 845-865): KQVGVSLNRI[Phe855Tyr]TVNPKGELVQ